The following is an entry in ClinVar:

ClinVar aggregate classification (germline): Uncertain significance (1 of 4 stars; one submission).

Conditions:
Congenital myasthenic syndrome 8. Also called: MYASTHENIC SYNDROME, CONGENITAL, DUE TO AGRIN DEFICIENCY; Myasthenic syndrome, congenital, 8, with pre- and postsynaptic defects. Identifiers: Orphanet 590, MedGen C3808739, MONDO:0014052, OMIM 615120.

Submission:

Labcorp Genetics (formerly Invitae), Labcorp
Classification: Uncertain significance for Congenital myasthenic syndrome 8. Last evaluated: 2021-09-21. Review status: criteria provided, single submitter. Criteria: Invitae Variant Classification Sherloc (09022015). Collection method: clinical testing. Allele origin: germline.
Comment: This sequence change replaces aspartic acid with glycine at codon 1181 of the AGRN protein (p.Asp1181Gly). The aspartic acid residue is moderately conserved and there is a moderate physicochemical difference between aspartic acid and glycine. This variant is not present in population databases (ExAC no frequency). This variant has not been reported in the literature in individuals affected with AGRN-related conditions. Algorithms developed to predict the effect of missense changes on protein structure and function are either unavailable or do not agree on the potential impact of this missense change (SIFT: "Deleterious"; PolyPhen-2: "Possibly Damaging"; Align-GVGD: "Class C0"). In summary, the available evidence is currently insufficient to determine the role of this variant in disease. Therefore, it has been classified as a Variant of Uncertain Significance.

NM_198576.4(AGRN):c.3542A>G (p.Asp1181Gly)

Gene: AGRN (agrin; plus strand). Cytogenetic location: 1p36.33.
Variant type: single nucleotide variant.
Coding change: c.3542A>G on transcript NM_198576.4 (MANE Select); coding-DNA position 3542, A replaced by G.
Protein change: p.Asp1181Gly; replaces aspartic acid 1181 with glycine.
Molecular consequence: missense variant.
Genome position (GRCh38, 1-based): chr1:1,047,598, A>G. VCF-style: chr1-1047598-A-G. GRCh37 (hg19) VCF-style: chr1-982978-A-G.
Other names: c.3542A>G, p.Asp1181Gly (NM_001305275.2); c.3227A>G, p.Asp1076Gly (NM_001364727.2); short protein forms D1076G, D1181G.
Identifiers: ClinVar variation 1363255 (VCV001363255.6), dbSNP rs2100664751, ClinGen allele CA337850601.
Genomic context (GRCh38, chr1:1,047,598, plus strand): 5'-CGGCCCCCCAAGTCCTTGCCTACTCCCTGCCACAGCTGGACGACCTCTTCCGGAATTCAG[A>G]CGTCAAGAAGGATTTTCGGAGTGTCCGCTTGCGGGACCTGGGGCCCGGCAAATCCGTCCG-3'
Protein context (NP_940978.2, residues 1171-1191): STLDDLFRNS[Asp1181Gly]VKKDFRSVRL